The following is an entry in ClinVar:

NM_183357.3(ADCY5):c.3646G>A (p.Asp1216Asn)

Gene: ADCY5 (adenylate cyclase 5; minus strand). Cytogenetic location: 3q21.1.
Variant type: single nucleotide variant.
Coding change: c.3646G>A on transcript NM_183357.3 (MANE Select); coding-DNA position 3646, G replaced by A.
Protein change: p.Asp1216Asn; replaces aspartic acid 1216 with asparagine.
Molecular consequence: missense variant.
Genome position (GRCh38, 1-based): chr3:123,286,696, C>T on the plus strand (G>A on the coding strand, the complement: ADCY5 is on the minus strand). VCF-style: chr3-123286696-C-T. GRCh37 (hg19) VCF-style: chr3-123005543-C-T.
Other names: c.2596G>A, p.Asp866Asn (NM_001199642.1); c.3721G>A, p.Asp1241Asn (NM_001378259.1); short protein forms D1241N, D1216N, D866N.
Identifiers: ClinVar variation 2369340 (VCV002369340.5), dbSNP rs776449908, ClinGen allele CA2576724.

ClinVar aggregate classification (germline): Uncertain significance. Review status: criteria provided, multiple submitters, no conflicts (2 of 4 stars). 2 submissions from 2 submitters: Uncertain significance (2). Last evaluated 2025-02-12.

Conditions:
Inborn genetic diseases. Identifiers: MedGen C0950123, MeSH D030342.

Allele frequency attached by ClinVar (database versions not stated): gnomAD 0.00003; gnomAD exomes 0.00002; ExAC 0.00002; TOPMed 0.00004.
gnomAD v4.1: 37 of 1,611,070 alleles (0.0023%); highest among the groups gnomAD compares: East Asian, 0.013%; no homozygotes.

Submissions (2):

Labcorp Genetics (formerly Invitae), Labcorp
Classification: Uncertain significance. Last evaluated: 2025-02-12. Review status: criteria provided, single submitter. Criteria: Invitae Variant Classification Sherloc (09022015). Collection method: clinical testing. Allele origin: germline.
Comment: This sequence change replaces aspartic acid, which is acidic and polar, with asparagine, which is neutral and polar, at codon 1216 of the ADCY5 protein (p.Asp1216Asn). This variant is present in population databases (rs776449908, gnomAD 0.006%). This variant has not been reported in the literature in individuals affected with ADCY5-related conditions. ClinVar contains an entry for this variant (Variation ID: 2369340). Invitae Evidence Modeling of protein sequence and biophysical properties (such as structural, functional, and spatial information, amino acid conservation, physicochemical variation, residue mobility, and thermodynamic stability) indicates that this missense variant is not expected to disrupt ADCY5 protein function with a negative predictive value of 95%. In summary, the available evidence is currently insufficient to determine the role of this variant in disease. Therefore, it has been classified as a Variant of Uncertain Significance.

Ambry Genetics
Classification: Uncertain significance for Inborn genetic diseases. Last evaluated: 2022-01-21. Review status: criteria provided, single submitter. Criteria: Ambry Variant Classification Scheme 2023. Collection method: clinical testing. Allele origin: germline.